The following is an entry in ClinVar:

NM_001042492.3(NF1):c.6624T>C (p.Ala2208=)

Gene: NF1 (neurofibromin 1; plus strand). Cytogenetic location: 17q11.2.
Variant type: single nucleotide variant.
Coding change: c.6624T>C on transcript NM_001042492.3 (MANE Select); coding-DNA position 6624, T replaced by C.
Protein change: p.Ala2208=; no amino-acid change (alanine 2208 retained).
Molecular consequence: synonymous variant.
Genome position (GRCh38, 1-based): chr17:31,337,564, T>C. VCF-style: chr17-31337564-T-C. GRCh37 (hg19) VCF-style: chr17-29664582-T-C.
Other names: c.6561T>C, p.Ala2187= (NM_000267.4).
Identifiers: ClinVar variation 184846 (VCV000184846.14), dbSNP rs746061888, ClinGen allele CA190223.

ClinVar aggregate classification (germline): Benign/Likely benign. Review status: criteria provided, multiple submitters, no conflicts (2 of 4 stars). 5 submissions from 5 submitters: Benign (1); Likely benign (4). Last evaluated 2026-05-21.

Conditions:
Hereditary cancer-predisposing syndrome. Also called: Tumor predisposition; Hereditary neoplastic syndrome; Neoplastic Syndromes, Hereditary; Hereditary Cancer Syndrome. Identifiers: Orphanet 140162, MedGen C0027672, MeSH D009386, MONDO:0015356.
Neurofibromatosis, type 1 (NF1). Also called: Neurofibromatosis, type I; NEUROFIBROMATOSIS, TYPE I, SOMATIC; VON RECKLINGHAUSEN DISEASE; Peripheral type neurofibromatosis. Identifiers: Orphanet 636, MedGen C0027831, MONDO:0018975, OMIM 162200. Disease mechanism: loss of function.

Allele frequency attached by ClinVar (database versions not stated): TOPMed 0.00001; ExAC 0.00002; gnomAD exomes 0.00003 and 0.00002; gnomAD 0.00002.

Submissions (5):

Myriad Genetics, Inc.
Classification: Benign for Neurofibromatosis, type 1. Last evaluated: 2026-05-21. Review status: criteria provided, single submitter. Criteria: Myriad Autosomal Dominant, Autosomal Recessive and X-Linked Classification Criteria (2023). Collection method: clinical testing. Allele origin: unknown.
Comment: This variant is considered benign. This variant is a silent/synonymous amino acid change and it is not expected to impact splicing.

Labcorp Genetics (formerly Invitae), Labcorp
Classification: Likely benign for Neurofibromatosis, type 1. Last evaluated: 2026-01-02. Review status: criteria provided, single submitter. Criteria: Invitae Variant Classification Sherloc (09022015). Collection method: clinical testing. Allele origin: germline.

Genome-Nilou Lab
Classification: Likely benign for Neurofibromatosis, type 1. Last evaluated: 2022-03-15. Review status: criteria provided, single submitter. Criteria: ACMG Guidelines, 2015. Collection method: clinical testing. Allele origin: germline. Affected: no.

GeneDx
Classification: Likely benign. Last evaluated: 2016-06-27. Review status: criteria provided, single submitter. Criteria: GeneDx Variant Classification (06012015). Collection method: clinical testing. Allele origin: germline. Affected: yes.
Comment: This variant is considered likely benign or benign based on one or more of the following criteria: it is a conservative change, it occurs at a poorly conserved position in the protein, it is predicted to be benign by multiple in silico algorithms, and/or has population frequency not consistent with disease.

Ambry Genetics
Classification: Likely benign for Hereditary cancer-predisposing syndrome. Last evaluated: 2015-06-23. Review status: criteria provided, single submitter. Criteria: Ambry Autosomal Dominant and X-Linked criteria (10/2015). Collection method: clinical testing. Allele origin: germline. Observed: 1 variant allele.